The following is an entry in ClinVar:

NM_000179.3(MSH6):c.367A>T (p.Lys123Ter)

Gene: MSH6 (mutS homolog 6; plus strand). Cytogenetic location: 2p16.3.
Variant type: single nucleotide variant.
Coding change: c.367A>T on transcript NM_000179.3 (MANE Select); coding-DNA position 367, A replaced by T.
Protein change: p.Lys123Ter; replaces lysine 123 with a stop codon.
Molecular consequence: nonsense. On other transcripts: 5 prime UTR variant (7), non-coding transcript variant (5), intron variant (6).
Genome position (GRCh38, 1-based): chr2:47,791,033, A>T. VCF-style: chr2-47791033-A-T. GRCh37 (hg19) VCF-style: chr2-48018172-A-T.
Other names: c.-370A>T (NM_001281493.2, NM_001406811.1, NM_001406823.1 and 1 more transcripts); c.-536A>T (NM_001281494.2); c.463A>T, p.Lys155Ter (NM_001406795.1, NM_001406802.1); c.367A>T, p.Lys123Ter (NM_001406796.1, NM_001406798.1, NM_001406800.1 and 6 more transcripts); c.70A>T, p.Lys24Ter (NM_001406797.1, NM_001406801.1, NM_001406805.1 and 10 more transcripts); c.289A>T, p.Lys97Ter (NM_001406804.1); c.-562A>T (NM_001406807.1); c.-628A>T (NM_001406814.1); and 6 more; short protein forms K123*, K24*, K67*, K97*, K155*.
Identifiers: ClinVar variation 4712214 (VCV004712214.1).

ClinVar aggregate classification (germline): Pathogenic (1 of 4 stars; one submission).

Conditions:
Hereditary nonpolyposis colorectal neoplasms. Identifiers: MedGen C0009405, MeSH D003123.

Submission:

Labcorp Genetics (formerly Invitae), Labcorp
Classification: Pathogenic for Hereditary nonpolyposis colorectal neoplasms. Last evaluated: 2025-04-03. Review status: criteria provided, single submitter. Criteria: Invitae Variant Classification Sherloc (09022015). Collection method: clinical testing. Allele origin: germline.
Comment: This sequence change creates a premature translational stop signal (p.Lys123*) in the MSH6 gene. It is expected to result in an absent or disrupted protein product. Loss-of-function variants in MSH6 are known to be pathogenic (PMID: 18269114, 24362816). This variant is not present in population databases (gnomAD no frequency). This variant has not been reported in the literature in individuals affected with MSH6-related conditions. For these reasons, this variant has been classified as Pathogenic.

Literature cited by the submitters: PubMed 18269114; PubMed 24362816.